The following is an entry in ClinVar:

NM_000051.4(ATM):c.3745A>T (p.Arg1249Ter)

Gene: ATM (ATM serine/threonine kinase; plus strand). Cytogenetic location: 11q22.3.
Variant type: single nucleotide variant.
Coding change: c.3745A>T on transcript NM_000051.4 (MANE Select); coding-DNA position 3745, A replaced by T.
Protein change: p.Arg1249Ter; replaces arginine 1249 with a stop codon.
Molecular consequence: nonsense.
Genome position (GRCh38, 1-based): chr11:108,282,878, A>T. VCF-style: chr11-108282878-A-T. GRCh37 (hg19) VCF-style: chr11-108153605-A-T.
Other names: c.3745A>T, p.Arg1249Ter (NM_001351834.2); short protein forms R1249*.
Identifiers: ClinVar variation 1734502 (VCV001734502.7), dbSNP rs2135691240, ClinGen allele CA382523897.
Genomic context (GRCh38, chr11:108,282,878, plus strand): 5'-TACAACTTATCTTCTTTTCCTTTTATTTTATTAAACTACACAAATATTGAGGATTTCTAT[A>T]GGTAAGTTTATACATGACATATGTGAAATTTGTTTAATTTAAAATTAGTTAACAATACTT-3'

ClinVar aggregate classification (germline): Pathogenic. Review status: criteria provided, multiple submitters, no conflicts (2 of 4 stars). 2 submissions from 2 submitters: Pathogenic (2). Last evaluated 2022-01-01.

Conditions:
Hereditary cancer-predisposing syndrome. Also called: Neoplastic Syndromes, Hereditary; Tumor predisposition; Hereditary Cancer Syndrome; Hereditary neoplastic syndrome. Identifiers: Orphanet 140162, MedGen C0027672, MeSH D009386, MONDO:0015356.
Ataxia-telangiectasia syndrome (AT). Also called: LOUIS-BAR SYNDROME; Cerebello-oculocutaneous telangiectasia; Immunodeficiency with ataxia telangiectasia; Ataxia-telangiectasia, complementation group D; AT, COMPLEMENTATION GROUP C; ATAXIA-TELANGIECTASIA, COMPLEMENTATION GROUP A. Identifiers: Orphanet 100, MedGen C0004135, MONDO:0008840, OMIM 208900.

Submissions (2):

Labcorp Genetics (formerly Invitae), Labcorp
Classification: Pathogenic for Ataxia-telangiectasia syndrome. Last evaluated: 2022-01-01. Review status: criteria provided, single submitter. Criteria: Invitae Variant Classification Sherloc (09022015). Collection method: clinical testing. Allele origin: germline.
Comment: This variant has not been reported in the literature in individuals affected with ATM-related conditions. This variant is not present in population databases (gnomAD no frequency). This sequence change creates a premature translational stop signal (p.Arg1249*) in the ATM gene. It is expected to result in an absent or disrupted protein product. Loss-of-function variants in ATM are known to be pathogenic (PMID: 23807571, 25614872). For these reasons, this variant has been classified as Pathogenic.

Ambry Genetics
Classification: Pathogenic for Hereditary cancer-predisposing syndrome. Last evaluated: 2021-02-22. Review status: criteria provided, single submitter. Criteria: Ambry Variant Classification Scheme 2023. Collection method: clinical testing. Allele origin: germline.
Comment: The p.R1249* pathogenic mutation (also known as c.3745A>T), located in coding exon 24 of the ATM gene, results from an A to T substitution at nucleotide position 3745. This changes the amino acid from an arginine to a stop codon within coding exon 24. This alteration is expected to result in loss of function by premature protein truncation or nonsense-mediated mRNA decay. As such, this alteration is interpreted as a disease-causing mutation.

Literature cited by the submitters: PubMed 23807571 (cited by Labcorp Genetics (formerly Invitae), Labcorp); PubMed 25614872 (cited by Labcorp Genetics (formerly Invitae), Labcorp).